The following is an entry in ClinVar:

NM_058179.4(PSAT1):c.231A>T (p.Gly77=)

Gene: PSAT1 (phosphoserine aminotransferase 1; plus strand). Cytogenetic location: 9q21.2.
Variant type: single nucleotide variant.
Coding change: c.231A>T on transcript NM_058179.4 (MANE Select); coding-DNA position 231, A replaced by T.
Protein change: p.Gly77=; no amino-acid change (glycine 77 retained).
Molecular consequence: synonymous variant.
Genome position (GRCh38, 1-based): chr9:78,304,774, A>T. VCF-style: chr9-78304774-A-T. GRCh37 (hg19) VCF-style: chr9-80919690-A-T.
Other names: c.231A>T, p.Gly77= (NM_021154.5).
Identifiers: ClinVar variation 913715 (VCV000913715.15), dbSNP rs762436279, ClinGen allele CA5095566.

ClinVar aggregate classification (germline): Conflicting classifications of pathogenicity. Review status: criteria provided, conflicting classifications (1 of 4 stars). 4 submissions from 4 submitters: Uncertain significance (1); Likely benign (2). 1 of the submissions does not count toward it. Last evaluated 2025-10-04.

Conditions:
PSAT1-related disorder. Also called: PSAT1-related condition; PSAT1-related disorders.
PSAT deficiency. Identifiers: Orphanet 284417, MedGen C1970253, MONDO:0012596, OMIM 610992.
Neu-Laxova syndrome 2. Identifiers: Orphanet 2671, Orphanet 583602, MedGen C4015019, MONDO:0014466, OMIM 616038.

Allele frequency attached by ClinVar (database versions not stated): gnomAD 0.00004 and 0.00005; TOPMed 0.00007; ExAC 0.00009; gnomAD exomes 0.00009.
gnomAD v4.1: 106 of 1,614,020 alleles (0.0066%); highest among the groups gnomAD compares: Admixed American, 0.0083%; no homozygotes.

Submissions (5):

Labcorp Genetics (formerly Invitae), Labcorp
Classification: Likely benign for Neu-Laxova syndrome 2. Last evaluated: 2025-10-04. Review status: criteria provided, single submitter. Criteria: Invitae Variant Classification Sherloc (09022015). Collection method: clinical testing. Allele origin: germline.

Blueprint Genetics
Classification: Likely benign. Last evaluated: 2024-11-14. Review status: criteria provided, single submitter. Criteria: ACMG Guidelines, 2015. Collection method: clinical testing. Allele origin: germline.

Illumina Laboratory Services, Illumina
Classification: Uncertain significance for PSAT deficiency. Last evaluated: 2018-01-13. Review status: criteria provided, single submitter. Criteria: ICSL Variant Classification Criteria 13 December 2019. Collection method: clinical testing. Allele origin: germline.

PreventionGenetics, part of Exact Sciences
Classification: Likely benign for PSAT1-related condition. Last evaluated: 2021-10-06. Review status: no assertion criteria provided. Collection method: clinical testing. Allele origin: germline. Not counted in ClinVar's aggregate classification.
Comment: This variant is classified as likely benign based on ACMG/AMP sequence variant interpretation guidelines (Richards et al. 2015 PMID: 25741868, with internal and published modifications).

Dr. Peter K. Rogan Lab, Western University
No classification provided (evidence only). Condition: Cervical cancer. Review status: no classification provided. Collection method: in vitro. Allele origin: not applicable. Functional consequence: skipped exon. Not counted in ClinVar's aggregate classification.